The following is an entry in ClinVar:

NC_000018.9:g.(?_2763625)_(2763797_?)del

Gene: SMCHD1 (structural maintenance of chromosomes flexible hinge domain containing 1; plus strand). Cytogenetic location: 18p11.32.
Variant type: Deletion.
Identifiers: ClinVar variation 1036446 (VCV001036446.7).

ClinVar aggregate classification (germline): Uncertain significance (1 of 4 stars; one submission).

Conditions:
Facioscapulohumeral muscular dystrophy 2 (FSHD2). Also called: MUSCULAR DYSTROPHY, FACIOSCAPULOHUMERAL, TYPE 1B; FACIOSCAPULOHUMERAL MUSCULAR DYSTROPHY 2, DIGENIC; FSHD2, DIGENIC. Identifiers: Orphanet 269, MedGen C1834671, MONDO:0008031, OMIM 158901.

Submission:

Labcorp Genetics (formerly Invitae), Labcorp
Classification: Uncertain significance for Facioscapulohumeral muscular dystrophy 2. Last evaluated: 2020-10-18. Review status: criteria provided, single submitter. Criteria: Invitae Variant Classification Sherloc (09022015). Collection method: clinical testing. Allele origin: germline.
Comment: In summary, the available evidence is currently insufficient to determine the role of this variant in disease. Therefore, it has been classified as a Variant of Uncertain Significance. Experimental studies and prediction algorithms are not available or were not evaluated, and the functional significance of this variant is currently unknown. This variant has not been reported in the literature in individuals with SMCHD1-related conditions. This variant is a gross deletion of the genomic region encompassing exon(s) 37 of the SMCHD1 gene. This variant would be expected to be in-frame, preserving the integrity of the reading frame.